The following is an entry in ClinVar:

NM_001127208.3(TET2):c.2103G>T (p.Gln701His)

Genes: TET2 (tet methylcytosine dioxygenase 2; plus strand), TET2-AS1 (TET2 antisense RNA 1; minus strand). Cytogenetic location: 4q24.
Variant type: single nucleotide variant.
Coding change: c.2103G>T on transcript NM_001127208.3 (MANE Select); coding-DNA position 2103, G replaced by T.
Protein change: p.Gln701His; replaces glutamine 701 with histidine.
Molecular consequence: missense variant.
Genome position (GRCh38, 1-based): chr4:105,236,045, G>T. VCF-style: chr4-105236045-G-T. GRCh37 (hg19) VCF-style: chr4-106157202-G-T.
Other names: c.2103G>T, p.Gln701His (NM_017628.4); short protein forms Q701H.
Identifiers: ClinVar variation 4594214 (VCV004594214.1).

ClinVar aggregate classification (germline): Uncertain significance (1 of 4 stars; one submission).

gnomAD v4.1: 2 of 1,614,112 alleles (0.00012%); highest among the groups gnomAD compares: Non-Finnish European, 0.00017%; no homozygotes.

Submission:

Ambry Genetics
Classification: Uncertain significance. Last evaluated: 2025-11-24. Review status: criteria provided, single submitter. Criteria: Ambry Variant Classification Scheme 2023. Collection method: clinical testing. Allele origin: germline.
Comment: The p.Q701H variant (also known as c.2103G>T), located in coding exon 1 of the TET2 gene, results from a G to T substitution at nucleotide position 2103. The glutamine at codon 701 is replaced by histidine, an amino acid with highly similar properties. This amino acid position is conserved. In addition, this alteration is predicted to be tolerated by in silico analysis. Based on the available evidence, the clinical significance of this variant remains unclear.